The following is an entry in ClinVar:

NC_000009.11:g.(?_137703323)_(137734200_?)del

Gene: COL5A1 (collagen type V alpha 1 chain; plus strand). Cytogenetic location: 9q34.3.
Variant type: Deletion.
Identifiers: ClinVar variation 1408988 (VCV001408988.10).

ClinVar aggregate classification (germline): Uncertain significance (1 of 4 stars; one submission).

Conditions:
Ehlers-Danlos syndrome, classic type, 1 (EDSCL1). Also called: EHLERS-DANLOS SYNDROME, GRAVIS TYPE; EHLERS-DANLOS SYNDROME, SEVERE CLASSIC TYPE; Ehlers-Danlos syndrome, type 1; Ehlers-Danlos Syndrome, Classic Type, COL5A1-Related; EDS I. Identifiers: MedGen C0268335, MONDO:0019567, OMIM 130000.

Submission:

Labcorp Genetics (formerly Invitae), Labcorp
Classification: Uncertain significance for Ehlers-Danlos syndrome, classic type, 1. Last evaluated: 2021-04-19. Review status: criteria provided, single submitter. Criteria: Invitae Variant Classification Sherloc (09022015). Collection method: clinical testing. Allele origin: germline.
Comment: In summary, the available evidence is currently insufficient to determine the role of this variant in disease. Therefore, it has been classified as a Variant of Uncertain Significance. Experimental studies and prediction algorithms are not available or were not evaluated, and the functional significance of this variant is currently unknown. This variant has not been reported in the literature in individuals with COL5A1-related conditions. This sequence change is a complex rearrangement involving exon 46-66 of the COL5A1 gene. It does not change the copy number of any exons. Although the exact nature of the event is unknown, it is likely that these exons are translocated elsewhere in the genome. The effect on the surrounding sequence is also uncertain.